The following is an entry in ClinVar:

NM_001378454.1(ALMS1):c.2896C>T (p.Gln966Ter)

Gene: ALMS1 (ALMS1 centrosome and basal body associated protein; plus strand). Cytogenetic location: 2p13.1.
Variant type: single nucleotide variant.
Coding change: c.2896C>T on transcript NM_001378454.1 (MANE Select); coding-DNA position 2896, C replaced by T.
Protein change: p.Gln966Ter; replaces glutamine 966 with a stop codon.
Molecular consequence: nonsense.
Genome position (GRCh38, 1-based): chr2:73,449,423, C>T. VCF-style: chr2-73449423-C-T. GRCh37 (hg19) VCF-style: chr2-73676550-C-T.
Other names: c.2899C>T, p.Gln967Ter (NM_015120.4); short protein forms Q966*, Q967*.
Identifiers: ClinVar variation 1072171 (VCV001072171.8), dbSNP rs761177629, ClinGen allele CA347272868.
Genomic context (GRCh38, chr2:73,449,423, plus strand): 5'-GGGACACCAACAGTGTCCTCTAATTCTCACTCACATAGCGAGAAATCTAGTGTTTTCTAC[C>T]AGCAAGAGTTGCCAGACAGTGATCTACCTAGAGAATCTCTGAAAATGTCTGCTATTCCTG-3'

ClinVar aggregate classification (germline): Pathogenic/Likely pathogenic. Review status: criteria provided, multiple submitters, no conflicts (2 of 4 stars). 2 submissions from 2 submitters: Pathogenic (1); Likely pathogenic (1). Last evaluated 2024-10-24.

Conditions:
Alstrom syndrome (ALMS). Identifiers: Orphanet 64, MedGen C0268425, MONDO:0008763, OMIM 203800.

gnomAD v4.1: 1 of 1,614,044 alleles (0.000062%); highest among the groups gnomAD compares: Non-Finnish European, 0.000085%; no homozygotes.

Submissions (2):

Natera, Inc.
Classification: Likely pathogenic for Alstrom syndrome. Last evaluated: 2024-10-24. Review status: criteria provided, single submitter. Criteria: Natera Variant Classification Schema (03/2026). Collection method: clinical testing. Allele origin: germline.
Comment: The c.2899C>T variant in ALMS1 is a nonsense variant predicted to introduce a stop codon at amino acid 967. This variant is expected to result in nonsense mediated decay, truncation, or a dysfunctional protein product. This variant is rare in the general population with a frequency below the threshold expected for the associated phenotype(s). Given the available evidence, this variant is classified as Likely Pathogenic.

Labcorp Genetics (formerly Invitae), Labcorp
Classification: Pathogenic for Alstrom syndrome. Last evaluated: 2022-12-16. Review status: criteria provided, single submitter. Criteria: Invitae Variant Classification Sherloc (09022015). Collection method: clinical testing. Allele origin: germline.
Comment: For these reasons, this variant has been classified as Pathogenic. ClinVar contains an entry for this variant (Variation ID: 1072171). This variant has not been reported in the literature in individuals affected with ALMS1-related conditions. This variant is not present in population databases (gnomAD no frequency). This sequence change creates a premature translational stop signal (p.Gln967*) in the ALMS1 gene. It is expected to result in an absent or disrupted protein product. Loss-of-function variants in ALMS1 are known to be pathogenic (PMID: 17594715).

Literature cited by the submitters: PubMed 17594715 (cited by Labcorp Genetics (formerly Invitae), Labcorp).